The following is an entry in ClinVar:

ClinVar aggregate classification (germline): Uncertain significance (1 of 4 stars; one submission).

Conditions:
Inborn genetic diseases. Identifiers: MedGen C0950123, MeSH D030342.

gnomAD v4.1: 2 of 1,613,218 alleles (0.00012%); highest among the groups gnomAD compares: African/African-American, 0.0027%; no homozygotes.

Submission:

Ambry Genetics
Classification: Uncertain significance for Inborn genetic diseases. Last evaluated: 2025-06-22. Review status: criteria provided, single submitter. Criteria: Ambry Variant Classification Scheme 2023. Collection method: clinical testing. Allele origin: germline.
Comment: The p.I332M variant (also known as c.996A>G), located in coding exon 1 of the SAMD9L gene, results from an A to G substitution at nucleotide position 996. The isoleucine at codon 332 is replaced by methionine, an amino acid with highly similar properties. This amino acid position is conserved. In addition, this alteration is predicted to be tolerated by in silico analysis. Based on the available evidence, the clinical significance of this variant remains unclear.

NM_152703.5(SAMD9L):c.996A>G (p.Ile332Met)

Gene: SAMD9L (sterile alpha motif domain containing 9 like; minus strand). Cytogenetic location: 7q21.2.
Variant type: single nucleotide variant.
Coding change: c.996A>G on transcript NM_152703.5 (MANE Select); coding-DNA position 996, A replaced by G.
Protein change: p.Ile332Met; replaces isoleucine 332 with methionine.
Molecular consequence: missense variant.
Genome position (GRCh38, 1-based): chr7:93,134,976, T>C on the plus strand (A>G on the coding strand, the complement: SAMD9L is on the minus strand). VCF-style: chr7-93134976-T-C. GRCh37 (hg19) VCF-style: chr7-92764289-T-C.
Other names: c.996A>G, p.Ile332Met (NM_001303496.3, NM_001303497.3, NM_001303498.3 and 5 more transcripts); short protein forms I332M.
Identifiers: ClinVar variation 4159263 (VCV004159263.1).
Genomic context (GRCh38, chr7:93,134,976, plus strand): 5'-GATATCCCTAGAGCTAGCCCCTTCTCTTACAAACAGTGAAAGATTTTGGTTTTGTTTCCA[T>C]ATTTTATCTTTACAAATTTGCATCTGAATGTAGAAATACTTATCATTACATATAGAGTGT-3'
Protein context (NP_689916.2, residues 322-342): YIQMQICKDK[Ile332Met]WKQNQNLSLF